The following is an entry in ClinVar:

NM_013275.6(ANKRD11):c.4916C>T (p.Ala1639Val)

Gene: ANKRD11 (ankyrin repeat domain 11; minus strand). Cytogenetic location: 16q24.3.
Variant type: single nucleotide variant.
Coding change: c.4916C>T on transcript NM_013275.6 (MANE Select); coding-DNA position 4916, C replaced by T.
Protein change: p.Ala1639Val; replaces alanine 1639 with valine.
Molecular consequence: missense variant.
Genome position (GRCh38, 1-based): chr16:89,281,626, G>A on the plus strand (C>T on the coding strand, the complement: ANKRD11 is on the minus strand). VCF-style: chr16-89281626-G-A. GRCh37 (hg19) VCF-style: chr16-89348034-G-A.
Other names: c.4916C>T, p.Ala1639Val (NM_001256182.2, NM_001256183.2); short protein forms A1639V.
Identifiers: ClinVar variation 1919616 (VCV001919616.5), dbSNP rs1476873558, ClinGen allele CA397156401.

ClinVar aggregate classification (germline): Uncertain significance (1 of 4 stars; one submission).

Conditions:
KBG syndrome (KBGS). Also called: ANKRD11-Related KBG Syndrome. Identifiers: Orphanet 2332, MedGen C0220687, MONDO:0007846, OMIM 148050.

gnomAD v4.1: 5 of 1,614,186 alleles (0.00031%); highest among the groups gnomAD compares: Non-Finnish European, 0.00042%; no homozygotes.

Submission:

Labcorp Genetics (formerly Invitae), Labcorp
Classification: Uncertain significance for KBG syndrome. Last evaluated: 2022-04-29. Review status: criteria provided, single submitter. Criteria: Invitae Variant Classification Sherloc (09022015). Collection method: clinical testing. Allele origin: germline.
Comment: In summary, the available evidence is currently insufficient to determine the role of this variant in disease. Therefore, it has been classified as a Variant of Uncertain Significance. Advanced modeling of protein sequence and biophysical properties (such as structural, functional, and spatial information, amino acid conservation, physicochemical variation, residue mobility, and thermodynamic stability) performed at Invitae indicates that this missense variant is not expected to disrupt ANKRD11 protein function. This variant has not been reported in the literature in individuals affected with ANKRD11-related conditions. This variant is not present in population databases (gnomAD no frequency). This sequence change replaces alanine, which is neutral and non-polar, with valine, which is neutral and non-polar, at codon 1639 of the ANKRD11 protein (p.Ala1639Val).